The following is an entry in ClinVar:

NM_207421.4(PADI6):c.2037C>T (p.Asn679=)

Gene: PADI6 (peptidyl arginine deiminase 6; plus strand). Cytogenetic location: 1p36.13.
Variant type: single nucleotide variant.
Coding change: c.2037C>T on transcript NM_207421.4 (MANE Select); coding-DNA position 2037, C replaced by T.
Protein change: p.Asn679=; no amino-acid change (asparagine 679 retained).
Molecular consequence: synonymous variant.
Genome position (GRCh38, 1-based): chr1:17,401,390, C>T. VCF-style: chr1-17401390-C-T. GRCh37 (hg19) VCF-style: chr1-17727886-C-T.
Identifiers: ClinVar variation 3050975 (VCV003050975.2), dbSNP rs532594096, ClinGen allele CA641999.
Genomic context (GRCh38, chr1:17,401,390, plus strand): 5'-CTTCATCAATGACTTTGACTGTTACCTGACAGAGGTCGGAGACATCTGTGCCTGTGCCAA[C>T]ATCCGCCGGGTGCCCTTTGCCTTCAAATGGTGGAAGATGGTACCTTAGACCCAGGCCCTG-3'
Protein context (NP_997304.3, residues 669-689): TEVGDICACA[Asn679=]IRRVPFAFKW

ClinVar aggregate classification (germline): Likely benign (0 of 4 stars; one submission).

Conditions:
PADI6-related disorder. Also called: PADI6-related condition.

Allele frequency attached by ClinVar (database versions not stated): TOPMed 0.00003; gnomAD 0.00015; gnomAD exomes 0.00031; 1000 Genomes Project 0.00060; 1000 Genomes Project 30x 0.00062; ExAC 0.00078.
gnomAD v4.1: 477 of 1,614,090 alleles (0.03%); highest among the groups gnomAD compares: South Asian, 0.5%; 7 homozygotes.

Submission:

PreventionGenetics, part of Exact Sciences
Classification: Likely benign for PADI6-related condition. Last evaluated: 2019-04-05. Review status: no assertion criteria provided. Collection method: clinical testing. Allele origin: germline.
Comment: This variant is classified as likely benign based on ACMG/AMP sequence variant interpretation guidelines (Richards et al. 2015 PMID: 25741868, with internal and published modifications).